The following is an entry in ClinVar:

ClinVar aggregate classification (germline): Likely pathogenic (1 of 4 stars; one submission).

Submission:

GeneDx
Classification: Likely pathogenic. Last evaluated: 2025-05-22. Review status: criteria provided, single submitter. Criteria: GeneDx Variant Classification Process June 2021. Collection method: clinical testing. Allele origin: germline. Affected: yes.
Comment: Canonical splice site variant predicted to result in an in-frame loss of the adjacent exon in a gene for which loss of function is a known mechanism of disease; Not observed at significant frequency in large population cohorts (gnomAD); Has not been previously published as pathogenic or benign to our knowledge

NM_000587.4(C7):c.1490-4_1490-2delinsTT

Gene: C7 (complement C7; plus strand). Cytogenetic location: 5p13.1.
Variant type: Indel.
Coding change: c.1490-4_1490-2delinsTT on transcript NM_000587.4 (MANE Select); 4 bases into the intron before coding-DNA position 1490 through the canonical splice acceptor site of the intron before coding-DNA position 1490, GTA replaced by TT.
Molecular consequence: splice acceptor variant.
Genome position (GRCh38, 1-based): chr5:40,959,445-40,959,447, GTA replaced by TT. VCF-style: chr5-40959445-GTA-TT. GRCh37 (hg19) VCF-style: chr5-40959547-GTA-TT.
Other names: c.1490-4_1490-2delGTAinsTT (LRG_30t1).
Identifiers: ClinVar variation 420832 (VCV000420832.3), dbSNP rs1064794728, ClinGen allele CA16618207.